The following is an entry in ClinVar:

NM_020949.3(SLC7A14):c.514G>A (p.Asp172Asn)

Genes: SLC7A14 (solute carrier family 7 member 14; minus strand), SLC7A14-AS1 (SLC7A14 antisense RNA 1; plus strand). Cytogenetic location: 3q26.2.
Variant type: single nucleotide variant.
Coding change: c.514G>A on transcript NM_020949.3 (MANE Select); coding-DNA position 514, G replaced by A.
Protein change: p.Asp172Asn; replaces aspartic acid 172 with asparagine.
Molecular consequence: missense variant.
Genome position (GRCh38, 1-based): chr3:170,501,136, C>T on the plus strand (G>A on the coding strand, the complement: SLC7A14 is on the minus strand). VCF-style: chr3-170501136-C-T. GRCh37 (hg19) VCF-style: chr3-170218925-C-T.
Other names: short protein forms D172N.
Identifiers: ClinVar variation 3680674 (VCV003680674.2).

ClinVar aggregate classification (germline): Uncertain significance (1 of 4 stars; one submission).

gnomAD v4.1: 30 of 1,614,224 alleles (0.0019%); highest among the groups gnomAD compares: Non-Finnish European, 0.0025%; no homozygotes.

Submission:

Labcorp Genetics (formerly Invitae), Labcorp
Classification: Uncertain significance. Last evaluated: 2024-11-16. Review status: criteria provided, single submitter. Criteria: Invitae Variant Classification Sherloc (09022015). Collection method: clinical testing. Allele origin: germline.
Comment: This sequence change replaces aspartic acid, which is acidic and polar, with asparagine, which is neutral and polar, at codon 172 of the SLC7A14 protein (p.Asp172Asn). This variant is not present in population databases (gnomAD no frequency). This variant has not been reported in the literature in individuals affected with SLC7A14-related conditions. An algorithm developed to predict the effect of missense changes on protein structure and function outputs the following: PolyPhen-2: "Benign". The asparagine amino acid residue is found in multiple mammalian species, which suggests that this missense change does not adversely affect protein function. In summary, the available evidence is currently insufficient to determine the role of this variant in disease. Therefore, it has been classified as a Variant of Uncertain Significance.